The following is an entry in ClinVar:

NM_145239.3(PRRT2):c.344G>A (p.Ser115Asn)

Genes: MVP-DT (MVP divergent transcript; minus strand), PRRT2 (proline rich transmembrane protein 2; plus strand). Cytogenetic location: 16p11.2.
Variant type: single nucleotide variant.
Coding change: c.344G>A on transcript NM_145239.3 (MANE Select); coding-DNA position 344, G replaced by A.
Protein change: p.Ser115Asn; replaces serine 115 with asparagine.
Molecular consequence: missense variant.
Genome position (GRCh38, 1-based): chr16:29,813,398, G>A. VCF-style: chr16-29813398-G-A. GRCh37 (hg19) VCF-style: chr16-29824719-G-A.
Other names: c.344G>A (NM_145239.2); c.344G>A, p.Ser115Asn (NM_001256442.2, NM_001256443.2); short protein forms S115N.
Identifiers: ClinVar variation 2077204 (VCV002077204.5), dbSNP rs758952009, ClinGen allele CA7994513.

ClinVar aggregate classification (germline): Conflicting classifications of pathogenicity. Review status: criteria provided, conflicting classifications (1 of 4 stars). 2 submissions from 2 submitters: Uncertain significance (1); Likely benign (1). Last evaluated 2025-12-21.

Conditions:
Inborn genetic diseases. Identifiers: MedGen C0950123, MeSH D030342.
Episodic kinesigenic dyskinesia (EKD). Also called: Paroxysmal kinesigenic dyskinesia. Identifiers: Orphanet 98809, MedGen C1868682, MONDO:0044202.

Allele frequency attached by ClinVar (database versions not stated): gnomAD 0.00001; TOPMed 0.00001; ExAC 0.00002.

Submissions (2):

Labcorp Genetics (formerly Invitae), Labcorp
Classification: Uncertain significance for Episodic kinesigenic dyskinesia. Last evaluated: 2025-12-21. Review status: criteria provided, single submitter. Criteria: Invitae Variant Classification Sherloc (09022015). Collection method: clinical testing. Allele origin: germline.
Comment: This sequence change replaces serine, which is neutral and polar, with asparagine, which is neutral and polar, at codon 115 of the PRRT2 protein (p.Ser115Asn). This variant is present in population databases (rs758952009, gnomAD 0.004%). This variant has not been reported in the literature in individuals affected with PRRT2-related conditions. ClinVar contains an entry for this variant (Variation ID: 2077204). Invitae Evidence Modeling of protein sequence and biophysical properties (such as structural, functional, and spatial information, amino acid conservation, physicochemical variation, residue mobility, and thermodynamic stability) indicates that this missense variant is not expected to disrupt PRRT2 protein function with a negative predictive value of 95%. In summary, the available evidence is currently insufficient to determine the role of this variant in disease. Therefore, it has been classified as a Variant of Uncertain Significance.

Ambry Genetics
Classification: Likely benign for Inborn genetic diseases. Last evaluated: 2025-05-01. Review status: criteria provided, single submitter. Criteria: Ambry Variant Classification Scheme 2023. Collection method: clinical testing. Allele origin: germline.